The following is an entry in ClinVar:

ClinVar aggregate classification (germline): Uncertain significance (1 of 4 stars; one submission).

Conditions:
Pulmonary fibrosis and/or bone marrow failure, Telomere-related, 3. Also called: PULMONARY FIBROSIS AND/OR BONE MARROW FAILURE SYNDROME, TELOMERE-RELATED, 3. Identifiers: Orphanet 2032, MedGen C4225346, MONDO:0014613, OMIM 616373.
Dyskeratosis congenita, autosomal recessive 5 (DKCB5). Identifiers: MedGen C3554656, MONDO:0014076, OMIM 615190.

Allele frequency attached by ClinVar (database versions not stated): TOPMed below 0.00001; ExAC 0.00002.
gnomAD v4.1: 16 of 1,612,382 alleles (0.00099%); highest among the groups gnomAD compares: South Asian, 0.0055%; no homozygotes.

Submission:

Labcorp Genetics (formerly Invitae), Labcorp
Classification: Uncertain significance for Dyskeratosis congenita, autosomal recessive 5; Pulmonary fibrosis and/or bone marrow failure, Telomere-related, 3. Last evaluated: 2024-06-19. Review status: criteria provided, single submitter. Criteria: Invitae Variant Classification Sherloc (09022015). Collection method: clinical testing. Allele origin: germline.
Comment: This sequence change replaces cysteine, which is neutral and slightly polar, with tyrosine, which is neutral and polar, at codon 1242 of the RTEL1 protein (p.Cys1242Tyr). This variant is present in population databases (rs765990015, gnomAD 0.003%). This variant has not been reported in the literature in individuals affected with RTEL1-related conditions. ClinVar contains an entry for this variant (Variation ID: 2055326). An algorithm developed to predict the effect of missense changes on protein structure and function (PolyPhen-2) suggests that this variant is likely to be tolerated. In summary, the available evidence is currently insufficient to determine the role of this variant in disease. Therefore, it has been classified as a Variant of Uncertain Significance.

NM_001283009.2(RTEL1):c.3725G>A (p.Cys1242Tyr)

Genes: RTEL1 (regulator of telomere elongation helicase 1; plus strand), RTEL1-TNFRSF6B (RTEL1-TNFRSF6B readthrough (NMD candidate); plus strand). Cytogenetic location: 20q13.33.
Variant type: single nucleotide variant.
Coding change: c.3725G>A on transcript NM_001283009.2 (MANE Select); coding-DNA position 3725, G replaced by A.
Protein change: p.Cys1242Tyr; replaces cysteine 1242 with tyrosine.
Molecular consequence: missense variant. On other transcripts: non-coding transcript variant (1), intron variant (3).
Genome position (GRCh38, 1-based): chr20:63,695,553, G>A. VCF-style: chr20-63695553-G-A. GRCh37 (hg19) VCF-style: chr20-62326906-G-A.
Other names: c.2983+73G>A (NM_001283010.1); c.3724+73G>A (NM_032957.5); c.3652+73G>A (NM_016434.4); short protein forms C1242Y.
Identifiers: ClinVar variation 2055326 (VCV002055326.3), dbSNP rs765990015, ClinGen allele CA9966171.
Genomic context (GRCh38, chr20:63,695,553, plus strand): 5'-GGAGAGACATCGCTGGGCAGCAGGCCACGGGAGCTCCGGGCGGGCCCCTCTCAGCAGGCT[G>A]TGTGTGCCAGGGCTGTGGGGCAGAGGACGTGGTGCCCTTCCAGTGCCCTGCCTGTGACTT-3'
Protein context (NP_001269938.1, residues 1232-1252): GAPGGPLSAG[Cys1242Tyr]VCQGCGAEDV